The following is an entry in ClinVar:

NM_000465.4(BARD1):c.672del (p.Glu225fs)

Gene: BARD1 (BRCA1 associated RING domain 1; minus strand). Cytogenetic location: 2q35.
Variant type: Deletion.
Coding change: c.672del on transcript NM_000465.4 (MANE Select); coding-DNA position 672, one base deleted (A; older notation c.672delA).
Protein change: p.Glu225fs; shifts the reading frame from glutamic acid 225.
Molecular consequence: frameshift variant. On other transcripts: non-coding transcript variant (2), intron variant (3).
Genome position (GRCh38, 1-based): chr2:214,781,202, T deleted on the plus strand (A on the coding strand, the reverse complement: BARD1 is on the minus strand); the first of 5 consecutive T bases (chr2:214,781,202-214,781,206); deleting any one gives the same sequence. VCF-style (leftmost placement, unchanged base first): chr2-214781201-CT-C. GRCh37 (hg19) VCF-style: chr2-215645925-CT-C.
Other names: c.615del, p.Glu206fs (NM_001282543.2); c.158+28210del (NM_001282548.2); c.215+15859del (NM_001282545.2); c.364+11095del (NM_001282549.2); c.672delA (NM_000465.2); short protein forms E206fs, E225fs.
Identifiers: ClinVar variation 1709467 (VCV001709467.3), dbSNP rs2469510248, ClinGen allele CA2580065688.

ClinVar aggregate classification (germline): Pathogenic/Likely pathogenic. Review status: criteria provided, multiple submitters, no conflicts (2 of 4 stars). 2 submissions from 2 submitters: Pathogenic (1); Likely pathogenic (1). Last evaluated 2025-05-05.

Conditions:
Hereditary cancer-predisposing syndrome. Also called: Neoplastic Syndromes, Hereditary; Tumor predisposition; Hereditary Cancer Syndrome; Hereditary neoplastic syndrome. Identifiers: Orphanet 140162, MedGen C0027672, MeSH D009386, MONDO:0015356.
Familial cancer of breast. Also called: Hereditary breast cancer; BREAST CANCER, FAMILIAL; hereditary breast carcinoma. Identifiers: Orphanet 227535, MedGen C0346153, MONDO:0016419, OMIM 114480. Disease mechanism: loss of function.

Submissions (2):

Ambry Genetics
Classification: Pathogenic for Hereditary cancer-predisposing syndrome. Last evaluated: 2025-05-05. Review status: criteria provided, single submitter. Criteria: Ambry Variant Classification Scheme 2023. Collection method: clinical testing. Allele origin: germline.
Comment: The c.672delA pathogenic mutation, located in coding exon 4 of the BARD1 gene, results from a deletion of one nucleotide at nucleotide position 672, causing a translational frameshift with a predicted alternate stop codon (p.E225Kfs*30). This variant is considered to be rare based on population cohorts in the Genome Aggregation Database (gnomAD). This alteration is expected to result in loss of function by premature protein truncation or nonsense-mediated mRNA decay. As such, this alteration is interpreted as a disease-causing mutation.

MGZ Medical Genetics Center
Classification: Likely pathogenic for Familial cancer of breast. Last evaluated: 2022-05-03. Review status: criteria provided, single submitter. Criteria: ACMG Guidelines, 2015. Collection method: clinical testing. Allele origin: germline. Affected: yes. Observed: 2 variant alleles.
Comment: ACMG criteria applied: PVS1, PM2_SUP